The following is an entry in ClinVar:

NM_001384910.1(GUCA1A):c.445+5G>A

Genes: GUCA1A (guanylate cyclase activator 1A; plus strand), GUCA1ANB-GUCA1A (GUCA1ANB-GUCA1A readthrough; plus strand). Cytogenetic location: 6p21.1.
Variant type: single nucleotide variant.
Coding change: c.445+5G>A on transcript NM_001384910.1 (MANE Select); 5 bases into the intron after coding-DNA position 445, G replaced by A.
Molecular consequence: intron variant.
Genome position (GRCh38, 1-based): chr6:42,178,900, G>A. VCF-style: chr6-42178900-G-A. GRCh37 (hg19) VCF-style: chr6-42146638-G-A.
Other names: c.445+5G>A (NM_001319061.2, NM_000409.5, NM_001319062.2 and 1 more transcripts).
Identifiers: ClinVar variation 1484833 (VCV001484833.7), dbSNP rs1768036273, ClinGen allele CA1623945509.

ClinVar aggregate classification (germline): Uncertain significance. Review status: criteria provided, multiple submitters, no conflicts (2 of 4 stars). 2 submissions from 2 submitters: Uncertain significance (2). Last evaluated 2025-05-14.

Conditions:
Cone dystrophy 3 (COD3). Also called: RETINAL CONE DYSTROPHY. Identifiers: Orphanet 1872, MedGen C1865869, MONDO:0011193, OMIM 602093.

Allele frequency attached by ClinVar (database versions not stated): gnomAD exomes below 0.00001; TOPMed 0.00001.
gnomAD v4.1: 1 of 1,605,814 alleles (0.000062%); highest among the groups gnomAD compares: South Asian, 0.0011%; no homozygotes.

Submissions (2):

Revvity Omics, Revvity
Classification: Uncertain significance for Cone dystrophy 3. Last evaluated: 2025-05-14. Review status: criteria provided, single submitter. Criteria: ACMG Guidelines, 2015. Collection method: clinical testing. Allele origin: germline.

Labcorp Genetics (formerly Invitae), Labcorp
Classification: Uncertain significance. Last evaluated: 2021-09-28. Review status: criteria provided, single submitter. Criteria: Invitae Variant Classification Sherloc (09022015). Collection method: clinical testing. Allele origin: germline.
Comment: Variants that disrupt the consensus splice site are a relatively common cause of aberrant splicing (PMID: 17576681, 9536098). Experimental studies and prediction algorithms are not available or were not evaluated, and the effect of this variant on mRNA splicing is currently unknown. In summary, the available evidence is currently insufficient to determine the role of this variant in disease. Therefore, it has been classified as a Variant of Uncertain Significance. This variant has not been reported in the literature in individuals affected with GUCA1A-related conditions. This variant is not present in population databases (ExAC no frequency). This sequence change falls in intron 5 of the GUCA1A gene. It does not directly change the encoded amino acid sequence of the GUCA1A protein. It affects a nucleotide within the consensus splice site of the intron.

Literature cited by the submitters: PubMed 17576681 (cited by Labcorp Genetics (formerly Invitae), Labcorp); PubMed 9536098 (cited by Labcorp Genetics (formerly Invitae), Labcorp).